The following is an entry in ClinVar:

NM_145698.5(ACBD5):c.317C>A (p.Ser106Ter)

Gene: ACBD5 (acyl-CoA binding domain containing 5; minus strand). Cytogenetic location: 10p12.1.
Variant type: single nucleotide variant.
Coding change: c.317C>A on transcript NM_145698.5 (MANE Select); coding-DNA position 317, C replaced by A.
Protein change: p.Ser106Ter; replaces serine 106 with a stop codon.
Molecular consequence: nonsense. On other transcripts: 5 prime UTR variant (7).
Genome position (GRCh38, 1-based): chr10:27,231,806, G>T on the plus strand (C>A on the coding strand, the complement: ACBD5 is on the minus strand). VCF-style: chr10-27231806-G-T. GRCh37 (hg19) VCF-style: chr10-27520735-G-T.
Other names: c.212C>A, p.Ser71Ter (NM_001042473.4, NM_001352574.2, NM_001352575.2 and 6 more transcripts); c.311C>A, p.Ser104Ter (NM_001271512.3, NM_001352571.1, NM_001352586.1 and 1 more transcripts); c.-11C>A (NM_001301251.2, NM_001301252.2, NM_001301253.2 and 4 more transcripts); c.338C>A, p.Ser113Ter (NM_001352568.1, NM_001352572.1); c.317C>A, p.Ser106Ter (NM_001352569.1, NM_001352570.1, NM_001352573.1 and 2 more transcripts); short protein forms S71*, S104*, S113*, S106*.
Identifiers: ClinVar variation 2022797 (VCV002022797.4), dbSNP rs2541365590, ClinGen allele CA376377602.

ClinVar aggregate classification (germline): Pathogenic (1 of 4 stars; one submission).

Submission:

Labcorp Genetics (formerly Invitae), Labcorp
Classification: Pathogenic. Last evaluated: 2022-08-08. Review status: criteria provided, single submitter. Criteria: Invitae Variant Classification Sherloc (09022015). Collection method: clinical testing. Allele origin: germline.
Comment: This sequence change creates a premature translational stop signal (p.Ser106*) in the ACBD5 gene. It is expected to result in an absent or disrupted protein product. Loss-of-function variants in ACBD5 are known to be pathogenic (PMID: 23105016, 27799409). For these reasons, this variant has been classified as Pathogenic. This variant has not been reported in the literature in individuals affected with ACBD5-related conditions. This variant is not present in population databases (gnomAD no frequency).

Literature cited by the submitters: PubMed 23105016; PubMed 27799409.